The following is an entry in ClinVar:

ClinVar aggregate classification (germline): Benign (0 of 4 stars; one submission).

Conditions:
SEMA4D-related disorder. Also called: SEMA4D-related condition.

Allele frequency attached by ClinVar (database versions not stated): 1000 Genomes Project 0.01478; 1000 Genomes Project 30x 0.01483; ESP Exome Variant Server 0.03145.
gnomAD v4.1: 72,586 of 1,613,980 alleles (4.5%); highest among the groups gnomAD compares: Non-Finnish European, 5.2%; 1,945 homozygotes.

Submission:

PreventionGenetics, part of Exact Sciences
Classification: Benign for SEMA4D-related condition. Last evaluated: 2019-10-17. Review status: no assertion criteria provided. Collection method: clinical testing. Allele origin: germline.
Comment: This variant is classified as benign based on ACMG/AMP sequence variant interpretation guidelines (Richards et al. 2015 PMID: 25741868, with internal and published modifications).

NM_001371194.2(SEMA4D):c.214G>A (p.Ala72Thr)

Gene: SEMA4D (semaphorin 4D; minus strand). Cytogenetic location: 9q22.2.
Variant type: single nucleotide variant.
Coding change: c.214G>A on transcript NM_001371194.2 (MANE Select); coding-DNA position 214, G replaced by A.
Protein change: p.Ala72Thr; replaces alanine 72 with threonine.
Molecular consequence: missense variant. On other transcripts: non-coding transcript variant (6).
Genome position (GRCh38, 1-based): chr9:89,402,909, C>T on the plus strand (G>A on the coding strand, the complement: SEMA4D is on the minus strand). VCF-style: chr9-89402909-C-T. GRCh37 (hg19) VCF-style: chr9-92017824-C-T.
Other names: c.214G>A, p.Ala72Thr (NM_001142287.2, NM_001371195.1, NM_001371196.1 and 7 more transcripts); short protein forms A72T.
Identifiers: ClinVar variation 3055397 (VCV003055397.2), dbSNP rs13284404, ClinGen allele CA5118784.